The following is an entry in ClinVar:

ClinVar aggregate classification (germline): Likely benign (1 of 4 stars; one submission).

gnomAD v4.1: 113 of 1,613,988 alleles (0.007%); highest among the groups gnomAD compares: Middle Eastern, 0.16%; 1 homozygote.

Submission:

CeGaT Center for Human Genetics Tuebingen
Classification: Likely benign. Last evaluated: 2024-07-01. Review status: criteria provided, single submitter. Criteria: CeGaT Center For Human Genetics Tuebingen Variant Classification Criteria Version 2. Collection method: clinical testing. Allele origin: germline. Affected: yes. Observed: 1 variant allele.
Comment: SYTL2: BP4, BP7

NM_206927.4(SYTL2):c.1284A>G (p.Leu428=)

Gene: SYTL2 (synaptotagmin like 2; minus strand). Cytogenetic location: 11q14.1.
Variant type: single nucleotide variant.
Coding change: c.1284A>G on transcript NM_206927.4 (MANE Select); coding-DNA position 1284, A replaced by G.
Protein change: p.Leu428=; no amino-acid change (leucine 428 retained).
Molecular consequence: synonymous variant.
Genome position (GRCh38, 1-based): chr11:85,734,045, T>C on the plus strand (A>G on the coding strand, the complement: SYTL2 is on the minus strand). VCF-style: chr11-85734045-T-C. GRCh37 (hg19) VCF-style: chr11-85445088-T-C.
Other names: c.1281A>G, p.Leu427= (NM_001162951.4, NM_001394470.1, NM_032943.5 and 8 more transcripts); c.1284A>G, p.Leu428= (NM_001162953.4, NM_001365826.2, NM_001394448.1 and 4 more transcripts); c.1137A>G, p.Leu379= (NM_001289608.2, NM_001365827.2, NM_001394466.1); c.1203A>G, p.Leu401= (NM_001394467.1, NM_001394471.1, NM_001394472.1 and 4 more transcripts); c.1200A>G, p.Leu400= (NM_001394468.1, NM_001394451.1, NM_001394461.1 and 1 more transcripts); c.1059A>G, p.Leu353= (NM_001394469.1).
Identifiers: ClinVar variation 3257647 (VCV003257647.17).